The following is an entry in ClinVar:

NM_017841.4(SDHAF2):c.49T>C (p.Ser17Pro)

Gene: SDHAF2 (succinate dehydrogenase complex assembly factor 2; plus strand). Cytogenetic location: 11q12.2.
Variant type: single nucleotide variant.
Coding change: c.49T>C on transcript NM_017841.4 (MANE Select); coding-DNA position 49, T replaced by C.
Protein change: p.Ser17Pro; replaces serine 17 with proline.
Molecular consequence: missense variant.
Genome position (GRCh38, 1-based): chr11:61,437,637, T>C. VCF-style: chr11-61437637-T-C. GRCh37 (hg19) VCF-style: chr11-61205109-T-C.
Other names: short protein forms S17P.
Identifiers: ClinVar variation 1744674 (VCV001744674.5), dbSNP rs2540123995, ClinGen allele CA380682778.

ClinVar aggregate classification (germline): Uncertain significance. Review status: criteria provided, multiple submitters, no conflicts (2 of 4 stars). 2 submissions from 2 submitters: Uncertain significance (2). Last evaluated 2024-11-05.

Conditions:
Hereditary pheochromocytoma and paraganglioma. Also called: Hereditary pheochromocytoma-paraganglioma; Hereditary paragangliomas and pheochromocytomas; Hereditary Paraganglioma-Pheochromocytoma Syndromes. Identifiers: Orphanet 29072, MedGen C4274332, MONDO:0017366.
Hereditary cancer-predisposing syndrome. Also called: Neoplastic Syndromes, Hereditary; Tumor predisposition; Hereditary Cancer Syndrome; Hereditary neoplastic syndrome. Identifiers: Orphanet 140162, MedGen C0027672, MeSH D009386, MONDO:0015356.

Submissions (2):

Labcorp Genetics (formerly Invitae), Labcorp
Classification: Uncertain significance for Hereditary pheochromocytoma and paraganglioma. Last evaluated: 2024-11-05. Review status: criteria provided, single submitter. Criteria: Invitae Variant Classification Sherloc (09022015). Collection method: clinical testing. Allele origin: germline.
Comment: This sequence change replaces serine, which is neutral and polar, with proline, which is neutral and non-polar, at codon 17 of the SDHAF2 protein (p.Ser17Pro). This variant is not present in population databases (gnomAD no frequency). This variant has not been reported in the literature in individuals affected with SDHAF2-related conditions. ClinVar contains an entry for this variant (Variation ID: 1744674). An algorithm developed to predict the effect of missense changes on protein structure and function outputs the following: PolyPhen-2: "Benign". The proline amino acid residue is found in multiple mammalian species, which suggests that this missense change does not adversely affect protein function. In summary, the available evidence is currently insufficient to determine the role of this variant in disease. Therefore, it has been classified as a Variant of Uncertain Significance.

Ambry Genetics
Classification: Uncertain significance for Hereditary cancer-predisposing syndrome. Last evaluated: 2020-07-22. Review status: criteria provided, single submitter. Criteria: Ambry Variant Classification Scheme 2023. Collection method: clinical testing. Allele origin: germline.
Comment: The p.S17P variant (also known as c.49T>C), located in coding exon 2 of the SDHAF2 gene, results from a T to C substitution at nucleotide position 49. The serine at codon 17 is replaced by proline, an amino acid with similar properties. This amino acid position is not well conserved in available vertebrate species, and proline is the reference amino acid in other vertebrate species. In addition, this alteration is predicted to be tolerated by in silico analysis. Since supporting evidence is limited at this time, the clinical significance of this alteration remains unclear.